The following is an entry in ClinVar:

NM_000054.7(AVPR2):c.879G>A (p.Trp293Ter)

Gene: AVPR2 (arginine vasopressin receptor 2; plus strand). Cytogenetic location: Xq28.
Variant type: single nucleotide variant.
Coding change: c.879G>A on transcript NM_000054.7 (MANE Select); coding-DNA position 879, G replaced by A.
Protein change: p.Trp293Ter; replaces tryptophan 293 with a stop codon.
Molecular consequence: nonsense. On other transcripts: non-coding transcript variant (1).
Genome position (GRCh38, 1-based): chrX:153,906,385, G>A. VCF-style: chrX-153906385-G-A. GRCh37 (hg19) VCF-style: chrX-153171839-G-A.
Other names: c.879G>A, p.Trp293Ter (NM_001146151.3); short protein forms W293*.
Identifiers: ClinVar variation 970803 (VCV000970803.9), dbSNP rs2064967549, ClinGen allele CA415109926.

ClinVar aggregate classification (germline): Pathogenic (1 of 4 stars; one submission).

Submission:

Labcorp Genetics (formerly Invitae), Labcorp
Classification: Pathogenic. Last evaluated: 2019-11-01. Review status: criteria provided, single submitter. Criteria: Invitae Variant Classification Sherloc (09022015). Collection method: clinical testing. Allele origin: germline.
Comment: This sequence change results in a premature translational stop signal in the AVPR2 gene (p.Trp293*). While this is not anticipated to result in nonsense mediated decay, it is expected to disrupt the last 79 amino acids of the AVPR2 protein. This variant is not present in population databases (ExAC no frequency). This nonsense change has been observed in individual(s) with nephrogenic diabetes insipidus (PMID: 8037205, 9853256). This variant has been reported to affect AVPR2 protein function (PMID: 9853256). This variant disrupts the C-terminus of the AVPR2 protein. Other variant(s) that disrupt this region (p.Arg337* and p.Leu312*) have been observed in individuals with AVPR2-related conditions (PMID: 8037205). This suggests that this may be a clinically significant region of the protein. For these reasons, this variant has been classified as Pathogenic.

Literature cited by the submitters: PubMed 8037205; PubMed 9853256.